The following is an entry in ClinVar:

NM_153240.5(NPHP3):c.2214T>A (p.Cys738Ter)

Genes: NPHP3 (nephrocystin 3; minus strand), NPHP3-ACAD11 (NPHP3-ACAD11 readthrough (NMD candidate); minus strand). Cytogenetic location: 3q22.1.
Variant type: single nucleotide variant.
Coding change: c.2214T>A on transcript NM_153240.5 (MANE Select); coding-DNA position 2214, T replaced by A.
Protein change: p.Cys738Ter; replaces cysteine 738 with a stop codon.
Molecular consequence: nonsense. On other transcripts: non-coding transcript variant (1).
Genome position (GRCh38, 1-based): chr3:132,694,923, A>T on the plus strand (T>A on the coding strand, the complement: NPHP3 is on the minus strand). VCF-style: chr3-132694923-A-T. GRCh37 (hg19) VCF-style: chr3-132413767-A-T.
Other names: short protein forms C738*.
Identifiers: ClinVar variation 3727221 (VCV003727221.2).

ClinVar aggregate classification (germline): Pathogenic (1 of 4 stars; one submission).

Conditions:
Nephronophthisis. Also called: Juvenile Nephronophthisis. Identifiers: Orphanet 655, MedGen C0687120, MONDO:0019005, HP:0000090.

Submission:

Labcorp Genetics (formerly Invitae), Labcorp
Classification: Pathogenic for Nephronophthisis. Last evaluated: 2025-09-08. Review status: criteria provided, single submitter. Criteria: Invitae Variant Classification Sherloc (09022015). Collection method: clinical testing. Allele origin: germline.
Comment: This sequence change creates a premature translational stop signal (p.Cys738*) in the NPHP3 gene. It is expected to result in an absent or disrupted protein product. Loss-of-function variants in NPHP3 are known to be pathogenic (PMID: 18371931, 23559409). This variant is not present in population databases (gnomAD no frequency). This variant has not been reported in the literature in individuals affected with NPHP3-related conditions. ClinVar contains an entry for this variant (Variation ID: 3727221). Algorithms developed to predict the effect of sequence changes on RNA splicing suggest that this variant may disrupt the consensus splice site. For these reasons, this variant has been classified as Pathogenic.

Literature cited by the submitters: PubMed 18371931; PubMed 23559409.